The following is an entry in ClinVar:

ClinVar aggregate classification (germline): Uncertain significance. Review status: criteria provided, multiple submitters, no conflicts (2 of 4 stars). 5 submissions from 5 submitters: Uncertain significance (5). Last evaluated 2024-10-29.

Conditions:
Multiple endocrine neoplasia, type 1 (MEN1). Also called: MEN I; WERMER SYNDROME; Endocrine adenomatosis multiple; MEN 1; MEA I. Identifiers: Orphanet 652, MedGen C0025267, MeSH D018761, MONDO:0007540, OMIM 131100.
Hereditary cancer-predisposing syndrome. Also called: Neoplastic Syndromes, Hereditary; Hereditary Cancer Syndrome; Hereditary neoplastic syndrome; Tumor predisposition. Identifiers: Orphanet 140162, MedGen C0027672, MeSH D009386, MONDO:0015356.

Submissions (5):

Labcorp Genetics (formerly Invitae), Labcorp
Classification: Uncertain significance for Multiple endocrine neoplasia, type 1. Last evaluated: 2024-10-29. Review status: criteria provided, single submitter. Criteria: Invitae Variant Classification Sherloc (09022015). Collection method: clinical testing. Allele origin: germline.
Comment: This sequence change replaces leucine, which is neutral and non-polar, with proline, which is neutral and non-polar, at codon 270 of the MEN1 protein (p.Leu270Pro). This variant is not present in population databases (gnomAD no frequency). This variant has not been reported in the literature in individuals affected with MEN1-related conditions. ClinVar contains an entry for this variant (Variation ID: 827450). Invitae Evidence Modeling of protein sequence and biophysical properties (such as structural, functional, and spatial information, amino acid conservation, physicochemical variation, residue mobility, and thermodynamic stability) has been performed for this missense variant. However, the output from this modeling did not meet the statistical confidence thresholds required to predict the impact of this variant on MEN1 protein function. In summary, the available evidence is currently insufficient to determine the role of this variant in disease. Therefore, it has been classified as a Variant of Uncertain Significance.

Ambry Genetics
Classification: Uncertain significance for Hereditary cancer-predisposing syndrome. Last evaluated: 2024-10-24. Review status: criteria provided, single submitter. Criteria: Ambry Variant Classification Scheme 2023. Collection method: clinical testing. Allele origin: germline.
Comment: The p.L270P variant (also known as c.809T>C), located in coding exon 4 of the MEN1 gene, results from a T to C substitution at nucleotide position 809. The leucine at codon 270 is replaced by proline, an amino acid with similar properties. This amino acid position is well conserved in available vertebrate species. In addition, the in silico prediction for this alteration is inconclusive. Since supporting evidence is limited at this time, the clinical significance of this alteration remains unclear.

Baylor Genetics
Classification: Uncertain significance for Multiple Endocrine Neoplasia Type 1. Last evaluated: 2023-08-05. Review status: criteria provided, single submitter. Criteria: ACMG Guidelines, 2015. Collection method: clinical testing. Allele origin: unknown.

All of Us Research Program, National Institutes of Health
Classification: Uncertain significance for Multiple endocrine neoplasia, type 1. Last evaluated: 2023-06-26. Review status: criteria provided, single submitter. Criteria: ACMG Guidelines, 2015. Collection method: clinical testing. Allele origin: germline. Inheritance: Autosomal dominant inheritance. Observed: 1 variant allele, 1 heterozygote.
Comment: This missense variant replaces leucine with proline at codon 270 of the MEN1 protein. Computational prediction suggests that this variant may have deleterious impact on protein structure and function (internally defined REVEL score threshold >= 0.7, PMID: 27666373). To our knowledge, functional studies have not been reported for this variant. This variant has not been reported in individuals affected with MEN1-related disorders in the literature. This variant has not been identified in the general population by the Genome Aggregation Database (gnomAD). The available evidence is insufficient to determine the role of this variant in disease conclusively. Therefore, this variant is classified as a Variant of Uncertain Significance.

This study involves interpretation of variants in research participants for the purpose of population health screening. Participant phenotype was not available at the time of variant classification. Additional details can be found in publication PMID: 35346344, PMCID: PMC8962531

GeneDx
Classification: Uncertain significance. Last evaluated: 2022-07-28. Review status: criteria provided, single submitter. Criteria: GeneDx Variant Classification Process June 2021. Collection method: clinical testing. Allele origin: germline. Affected: yes.
Comment: Not observed at significant frequency in large population cohorts (gnomAD); In silico analysis supports that this missense variant has a deleterious effect on protein structure/function; Has not been previously published as pathogenic or benign to our knowledge; This variant is associated with the following publications: (PMID: 12874027)

NM_001370259.2(MEN1):c.809T>C (p.Leu270Pro)

Gene: MEN1 (menin 1; minus strand). Cytogenetic location: 11q13.1.
Variant type: single nucleotide variant.
Coding change: c.809T>C on transcript NM_001370259.2 (MANE Select); coding-DNA position 809, T replaced by C.
Protein change: p.Leu270Pro; replaces leucine 270 with proline.
Molecular consequence: missense variant.
Genome position (GRCh38, 1-based): chr11:64,807,194, A>G on the plus strand (T>C on the coding strand, the complement: MEN1 is on the minus strand). VCF-style: chr11-64807194-A-G. GRCh37 (hg19) VCF-style: chr11-64574666-A-G.
Other names: c.824T>C, p.Leu275Pro (NM_000244.4, NM_130800.3, NM_130801.3 and 3 more transcripts); c.809T>C, p.Leu270Pro (NM_001370251.2, NM_001370260.2, NM_001370261.2 and 1 more transcripts); c.704T>C, p.Leu235Pro (NM_001370262.2, NM_001370263.2); short protein forms L275P, L235P, L270P.
Identifiers: ClinVar variation 827450 (VCV000827450.19), dbSNP rs1592647333, ClinGen allele CA381183920.
Genomic context (GRCh38, chr11:64,807,194, plus strand): 5'-CCCCCGGCCTCACCAGGCGCAGCCTGGCCACTTCCCTCTACTGACCTTTCCAGATGTCCC[A>G]GGTCATAGAGCAGCCAGAGCAGCTTCTAGGAGCCGAAGGAGAGAGTTATGAGCCACGGAA-3'
Protein context (NP_001357188.2, residues 260-280): QQKLLWLLYD[Leu270Pro]GHLERYPMAL